The following is an entry in ClinVar:

NM_006019.4(TCIRG1):c.2291G>A (p.Arg764Gln)

Gene: TCIRG1 (T cell immune regulator 1, ATPase H+ transporting V0 subunit a3; plus strand). Cytogenetic location: 11q13.2.
Variant type: single nucleotide variant.
Coding change: c.2291G>A on transcript NM_006019.4 (MANE Select); coding-DNA position 2291, G replaced by A.
Protein change: p.Arg764Gln; replaces arginine 764 with glutamine.
Molecular consequence: missense variant.
Genome position (GRCh38, 1-based): chr11:68,050,541, G>A. VCF-style: chr11-68050541-G-A. GRCh37 (hg19) VCF-style: chr11-67818008-G-A.
Other names: c.1397G>A, p.Arg466Gln (NM_001351059.2); c.1643G>A, p.Arg548Gln (NM_006053.4); c.2291G>A (NM_006019.3); short protein forms R466Q, R548Q, R764Q.
Identifiers: ClinVar variation 1495576 (VCV001495576.4), dbSNP rs769598662, ClinGen allele CA6147488.

ClinVar aggregate classification (germline): Uncertain significance. Review status: criteria provided, multiple submitters, no conflicts (2 of 4 stars). 2 submissions from 2 submitters: Uncertain significance (2). Last evaluated 2025-02-25.

Conditions:
Inborn genetic diseases. Identifiers: MedGen C0950123, MeSH D030342.

Allele frequency attached by ClinVar (database versions not stated): gnomAD 0.00001 and 0.00002; TOPMed 0.00001; ExAC 0.00002; gnomAD exomes 0.00002.

Submissions (2):

Ambry Genetics
Classification: Uncertain significance for Inborn genetic diseases. Last evaluated: 2025-02-25. Review status: criteria provided, single submitter. Criteria: Ambry Variant Classification Scheme 2023. Collection method: clinical testing. Allele origin: germline.

Labcorp Genetics (formerly Invitae), Labcorp
Classification: Uncertain significance. Last evaluated: 2021-10-23. Review status: criteria provided, single submitter. Criteria: Invitae Variant Classification Sherloc (09022015). Collection method: clinical testing. Allele origin: germline.
Comment: This sequence change replaces arginine with glutamine at codon 764 of the TCIRG1 protein (p.Arg764Gln). The arginine residue is weakly conserved and there is a small physicochemical difference between arginine and glutamine. This variant is present in population databases (rs769598662, ExAC 0.005%). This variant has not been reported in the literature in individuals with TCIRG1-related conditions. Algorithms developed to predict the effect of missense changes on protein structure and function (SIFT, PolyPhen-2, Align-GVGD) all suggest that this variant is likely to be tolerated, but these predictions have not been confirmed by published functional studies and their clinical significance is uncertain. In summary, the available evidence is currently insufficient to determine the role of this variant in disease. Therefore, it has been classified as a Variant of Uncertain Significance.